The following is an entry in ClinVar:

ClinVar aggregate classification (germline): Likely benign (0 of 4 stars; one submission).

Conditions:
XIRP2-related disorder. Also called: XIRP2-related condition.

Allele frequency attached by ClinVar (database versions not stated): gnomAD exomes 0.00015; ExAC 0.00052; 1000 Genomes Project 0.00080; 1000 Genomes Project 30x 0.00094; ESP Exome Variant Server 0.00150; gnomAD 0.00159; TOPMed 0.00190.
gnomAD v4.1: 477 of 1,613,122 alleles (0.03%); highest among the groups gnomAD compares: African/African-American, 0.59%; 3 homozygotes.

Submission:

PreventionGenetics, part of Exact Sciences
Classification: Likely benign for XIRP2-related condition. Last evaluated: 2019-10-28. Review status: no assertion criteria provided. Collection method: clinical testing. Allele origin: germline.
Comment: This variant is classified as likely benign based on ACMG/AMP sequence variant interpretation guidelines (Richards et al. 2015 PMID: 25741868, with internal and published modifications).

NM_152381.6(XIRP2):c.5663C>A (p.Pro1888His)

Gene: XIRP2 (xin actin binding repeat containing 2; plus strand). Cytogenetic location: 2q24.3.
Variant type: single nucleotide variant.
Coding change: c.5663C>A on transcript NM_152381.6 (MANE Select); coding-DNA position 5663, C replaced by A.
Protein change: p.Pro1888His; replaces proline 1888 with histidine.
Molecular consequence: missense variant. On other transcripts: intron variant (3).
Genome position (GRCh38, 1-based): chr2:167,247,055, C>A. VCF-style: chr2-167247055-C-A. GRCh37 (hg19) VCF-style: chr2-168103565-C-A.
Other names: c.4997C>A, p.Pro1666His (NM_001199144.2); c.1275+5145C>A (NM_001199143.2); c.1176+5145C>A (NM_001079810.4); c.510+5145C>A (NM_001199145.2); short protein forms P1666H, P1888H.
Identifiers: ClinVar variation 3041096 (VCV003041096.2), dbSNP rs201270958, ClinGen allele CA1947258.